The following is an entry in ClinVar:

ClinVar aggregate classification (germline): Likely benign. Review status: criteria provided, multiple submitters, no conflicts (2 of 4 stars). 2 submissions from 2 submitters: Likely benign (2). Last evaluated 2026-01-14.

Conditions:
Early-infantile DEE. Also called: Early infantile epileptic encephalopathy; Ohtahara syndrome; Early infantile epileptic encephalopathy with suppression bursts. Identifiers: Orphanet 1934, MedGen C0393706, MONDO:0800491.

Allele frequency attached by ClinVar (database versions not stated): gnomAD 0.00003; gnomAD exomes 0.00003 and 0.00007; TOPMed 0.00005; ExAC 0.00006; 1000 Genomes Project 30x 0.00016; 1000 Genomes Project 0.00020.
gnomAD v4.1: 57 of 1,594,378 alleles (0.0036%); highest among the groups gnomAD compares: East Asian, 0.032%; no homozygotes.

Submissions (2):

Labcorp Genetics (formerly Invitae), Labcorp
Classification: Likely benign for Early-infantile DEE. Last evaluated: 2026-01-14. Review status: criteria provided, single submitter. Criteria: Invitae Variant Classification Sherloc (09022015). Collection method: clinical testing. Allele origin: germline.

GeneDx
Classification: Likely benign. Last evaluated: 2016-01-08. Review status: criteria provided, single submitter. Criteria: GeneDx Variant Classification (06012015). Collection method: clinical testing. Allele origin: germline. Affected: yes.
Comment: This variant is considered likely benign or benign based on one or more of the following criteria: it is a conservative change, it occurs at a poorly conserved position in the protein, it is predicted to be benign by multiple in silico algorithms, and/or has population frequency not consistent with disease.

NM_172107.4(KCNQ2):c.2604C>T (p.Ala868=)

Gene: KCNQ2 (potassium voltage-gated channel subfamily Q member 2; minus strand). Cytogenetic location: 20q13.33.
Variant type: single nucleotide variant.
Coding change: c.2604C>T on transcript NM_172107.4 (MANE Select); coding-DNA position 2604, C replaced by T.
Protein change: p.Ala868=; no amino-acid change (alanine 868 retained).
Molecular consequence: synonymous variant.
Genome position (GRCh38, 1-based): chr20:63,406,659, G>A on the plus strand (C>T on the coding strand, the complement: KCNQ2 is on the minus strand). VCF-style: chr20-63406659-G-A. GRCh37 (hg19) VCF-style: chr20-62038012-G-A.
Other names: c.2520C>T, p.Ala840= (NM_004518.6); c.2550C>T, p.Ala850= (NM_172106.3); c.2511C>T, p.Ala837= (NM_172108.5).
Identifiers: ClinVar variation 378032 (VCV000378032.13), dbSNP rs572267938, ClinGen allele CA9958051.